The following is an entry in ClinVar:

NM_001128840.3(CACNA1D):c.922A>G (p.Ile308Val)

Gene: CACNA1D (calcium voltage-gated channel subunit alpha1 D; plus strand). Cytogenetic location: 3p21.1.
Variant type: single nucleotide variant.
Coding change: c.922A>G on transcript NM_001128840.3 (MANE Select); coding-DNA position 922, A replaced by G.
Protein change: p.Ile308Val; replaces isoleucine 308 with valine.
Molecular consequence: missense variant.
Genome position (GRCh38, 1-based): chr3:53,666,341, A>G. VCF-style: chr3-53666341-A-G. GRCh37 (hg19) VCF-style: chr3-53700368-A-G.
Other names: c.922A>G, p.Ile308Val (NM_000720.4, NM_001128839.3); short protein forms I308V.
Identifiers: ClinVar variation 4771496 (VCV004771496.1).

ClinVar aggregate classification (germline): Uncertain significance (1 of 4 stars; one submission).

gnomAD v4.1: 1 of 1,613,652 alleles (0.000062%); highest among the groups gnomAD compares: Non-Finnish European, 0.000085%; no homozygotes.

Submission:

Labcorp Genetics (formerly Invitae), Labcorp
Classification: Uncertain significance. Last evaluated: 2026-01-12. Review status: criteria provided, single submitter. Criteria: Invitae Variant Classification Sherloc (09022015). Collection method: clinical testing. Allele origin: germline.
Comment: This sequence change replaces isoleucine, which is neutral and non-polar, with valine, which is neutral and non-polar, at codon 308 of the CACNA1D protein (p.Ile308Val). This variant is present in population databases (rs765522593, gnomAD 0.0009%). This variant has not been reported in the literature in individuals affected with CACNA1D-related conditions. An algorithm developed to predict the effect of missense changes on protein structure and function outputs the following: PolyPhen-2: "Benign". The valine amino acid residue is found in multiple mammalian species, which suggests that this missense change does not adversely affect protein function. In summary, the available evidence is currently insufficient to determine the role of this variant in disease. Therefore, it has been classified as a Variant of Uncertain Significance.